The following is an entry in ClinVar:

NM_000141.5(FGFR2):c.-458C>A

Gene: FGFR2 (fibroblast growth factor receptor 2; minus strand). Cytogenetic location: 10q26.13.
Variant type: single nucleotide variant.
Coding change: c.-458C>A on transcript NM_000141.5 (MANE Select); 458 bases upstream of the start codon, C replaced by A.
Molecular consequence: 5 prime UTR variant. On other transcripts: non-coding transcript variant (1).
Genome position (GRCh38, 1-based): chr10:121,598,269, G>T on the plus strand (C>A on the coding strand, the complement: FGFR2 is on the minus strand). VCF-style: chr10-121598269-G-T. GRCh37 (hg19) VCF-style: chr10-123357783-G-T.
Other names: c.-458C>A (NM_001144917.2, NM_001144918.2, NM_001144919.2 and 3 more transcripts).
Identifiers: ClinVar variation 299024 (VCV000299024.7), dbSNP rs41301043, ClinGen allele CA10635082.

ClinVar aggregate classification (germline): Benign. Review status: criteria provided, multiple submitters, no conflicts (2 of 4 stars). 6 submissions from 2 submitters: Benign (6). Last evaluated 2021-05-12.

Conditions:
Beare-Stevenson cutis gyrata syndrome (BSTVS). Identifiers: Orphanet 1555, MedGen C1852406, MONDO:0007412, OMIM 123790.
Craniosynostosis syndrome. Also called: Craniosynostosis. Identifiers: Orphanet 1531, MedGen C0010278, MeSH D003398, MONDO:0015469, HP:0001363.
Isolated Coronal Synostosis. Identifiers: MedGen CN043619.
Crouzon syndrome. Also called: CRANIOFACIAL DYSOSTOSIS, TYPE I; Craniofacial dysostosis; Craniofacial dysostosis type 1; Crouzon craniofacial dysostosis; Crouzon disease. Identifiers: Orphanet 207, MedGen C0010273, MeSH D003394, MONDO:0007405, OMIM 123500, HP:0004439.
Saethre-Chotzen syndrome (SCS). Also called: ACROCEPHALY, SKULL ASYMMETRY, AND MILD SYNDACTYLY; ACS III; CHOTZEN SYNDROME. Identifiers: Orphanet 794, MedGen C0175699, MONDO:0007042, OMIM 101400.

Allele frequency attached by ClinVar (database versions not stated): gnomAD 0.01575 and 0.01688; TOPMed 0.01685; 1000 Genomes Project 0.01717; 1000 Genomes Project 30x 0.01749.
gnomAD v4.1: 2,937 of 388,696 alleles (0.76%); highest among the groups gnomAD compares: African/African-American, 5.3%; 72 homozygotes.

Submissions (6):

GeneDx
Classification: Benign. Last evaluated: 2021-05-12. Review status: criteria provided, single submitter. Criteria: GeneDx Variant Classification Process June 2021. Collection method: clinical testing. Allele origin: germline. Affected: yes.

Illumina Laboratory Services, Illumina
Classification: Benign for Crouzon syndrome. Last evaluated: 2018-01-13. Review status: criteria provided, single submitter. Criteria: ICSL Variant Classification Criteria 13 December 2019. Collection method: clinical testing. Allele origin: germline.
Comment: This variant was observed in the ICSL laboratory as part of a predisposition screen in an ostensibly healthy population. It had not been previously curated by ICSL or reported in the Human Gene Mutation Database (HGMD: prior to June 1st, 2018), and was therefore a candidate for classification through an automated scoring system. Utilizing variant allele frequency, disease prevalence and penetrance estimates, and inheritance mode, an automated score was calculated to assess if this variant is too frequent to cause the disease. Based on the score and internal cut-off values, a variant classified as benign is not then subjected to further curation. The score for this variant resulted in a classification of benign for this disease.

Illumina Laboratory Services, Illumina
Classification: Benign for Saethre-Chotzen syndrome. Last evaluated: 2018-01-13. Review status: criteria provided, single submitter. Criteria: ICSL Variant Classification Criteria 13 December 2019. Collection method: clinical testing. Allele origin: germline.
Comment: the same text as in the submission from Illumina Laboratory Services, Illumina above.

Illumina Laboratory Services, Illumina
Classification: Benign for Isolated coronal synostosis. Last evaluated: 2018-01-13. Review status: criteria provided, single submitter. Criteria: ICSL Variant Classification Criteria 13 December 2019. Collection method: clinical testing. Allele origin: germline.
Comment: the same text as in the submission from Illumina Laboratory Services, Illumina above.

Illumina Laboratory Services, Illumina
Classification: Benign for Craniosynostosis. Last evaluated: 2018-01-13. Review status: criteria provided, single submitter. Criteria: ICSL Variant Classification Criteria 13 December 2019. Collection method: clinical testing. Allele origin: germline.
Comment: the same text as in the submission from Illumina Laboratory Services, Illumina above.

Illumina Laboratory Services, Illumina
Classification: Benign for Beare-Stevenson cutis gyrata syndrome. Last evaluated: 2018-01-13. Review status: criteria provided, single submitter. Criteria: ICSL Variant Classification Criteria 13 December 2019. Collection method: clinical testing. Allele origin: germline.
Comment: the same text as in the submission from Illumina Laboratory Services, Illumina above.